The following is an entry in ClinVar:

NC_000019.9:g.(?_45860411)_(45860729_?)del

Gene: ERCC2 (ERCC excision repair 2, TFIIH core complex helicase subunit; minus strand). Cytogenetic location: 19q13.32.
Variant type: Deletion.
Identifiers: ClinVar variation 3242639 (VCV003242639.1).

ClinVar aggregate classification (germline): Pathogenic (1 of 4 stars; one submission).

Submission:

Labcorp Genetics (formerly Invitae), Labcorp
Classification: Pathogenic. Last evaluated: 2023-11-21. Review status: criteria provided, single submitter. Criteria: Invitae Variant Classification Sherloc (09022015). Collection method: clinical testing. Allele origin: unknown.
Comment: This variant is a gross deletion of the genomic region encompassing exon(s) 15 of the ERCC2 gene. This variant would be expected to be in-frame, preserving the integrity of the reading frame. This variant has not been reported in the literature in individuals affected with ERCC2-related conditions. This variant disrupts a region of the ERCC2 protein in which other variant(s) (p.Leu485Pro) have been determined to be pathogenic (PMID: 11709541). This suggests that this is a clinically significant region of the protein, and that variants that disrupt it are likely to be disease-causing. For these reasons, this variant has been classified as Pathogenic.

Literature cited by the submitters: PubMed 11709541.